The following is an entry in ClinVar:

NM_016599.5(MYOZ2):c.392T>A (p.Leu131Gln)

Gene: MYOZ2 (myozenin 2; plus strand). Cytogenetic location: 4q26.
Variant type: single nucleotide variant.
Coding change: c.392T>A on transcript NM_016599.5 (MANE Select); coding-DNA position 392, T replaced by A.
Protein change: p.Leu131Gln; replaces leucine 131 with glutamine.
Molecular consequence: missense variant.
Genome position (GRCh38, 1-based): chr4:119,164,226, T>A. VCF-style: chr4-119164226-T-A. GRCh37 (hg19) VCF-style: chr4-120085381-T-A.
Other names: c.392T>A (NM_016599.4); short protein forms L131Q.
Identifiers: ClinVar variation 1420805 (VCV001420805.9), dbSNP rs781466292, ClinGen allele CA3058628.

ClinVar aggregate classification (germline): Uncertain significance. Review status: criteria provided, multiple submitters, no conflicts (2 of 4 stars). 2 submissions from 2 submitters: Uncertain significance (2). Last evaluated 2025-12-08.

Conditions:
Hypertrophic cardiomyopathy. Also called: HYPERTROPHIC MYOCARDIOPATHY. Identifiers: Orphanet 217569, MedGen C0007194, MeSH D002312, MONDO:0005045, HP:0001639.
Cardiovascular phenotype. Identifiers: MedGen CN230736.

Allele frequency attached by ClinVar (database versions not stated): TOPMed below 0.00001; ExAC 0.00001; gnomAD 0.00001; gnomAD exomes 0.00001.
gnomAD v4.1: 4 of 1,613,882 alleles (0.00025%); highest among the groups gnomAD compares: Admixed American, 0.0067%; no homozygotes.

Submissions (2):

Ambry Genetics
Classification: Uncertain significance for Cardiovascular phenotype. Last evaluated: 2025-12-08. Review status: criteria provided, single submitter. Criteria: Ambry Variant Classification Scheme 2023. Collection method: clinical testing. Allele origin: germline.

Labcorp Genetics (formerly Invitae), Labcorp
Classification: Uncertain significance for Hypertrophic cardiomyopathy. Last evaluated: 2023-06-22. Review status: criteria provided, single submitter. Criteria: Invitae Variant Classification Sherloc (09022015). Collection method: clinical testing. Allele origin: germline.
Comment: Advanced modeling of protein sequence and biophysical properties (such as structural, functional, and spatial information, amino acid conservation, physicochemical variation, residue mobility, and thermodynamic stability) performed at Invitae indicates that this missense variant is expected to disrupt MYOZ2 protein function. This sequence change replaces leucine, which is neutral and non-polar, with glutamine, which is neutral and polar, at codon 131 of the MYOZ2 protein (p.Leu131Gln). This variant is present in population databases (rs781466292, gnomAD 0.009%). This variant has not been reported in the literature in individuals affected with MYOZ2-related conditions. ClinVar contains an entry for this variant (Variation ID: 1420805). In summary, the available evidence is currently insufficient to determine the role of this variant in disease. Therefore, it has been classified as a Variant of Uncertain Significance.